The following is an entry in ClinVar:

ClinVar aggregate classification (germline): Pathogenic (1 of 4 stars; one submission).

Conditions:
Smith-Lemli-Opitz syndrome (SLOS). Also called: POLYDACTYLY, SEX REVERSAL, RENAL HYPOPLASIA, AND UNILOBAR LUNG; RSH SYNDROME; RUTLEDGE LETHAL MULTIPLE CONGENITAL ANOMALY SYNDROME; 7-Dehydrocholesterol reductase deficiency; LETHAL ACRODYSGENITAL SYNDROME. Identifiers: Orphanet 818, MedGen C0175694, MONDO:0010035, OMIM 270400.

Submission:

Labcorp Genetics (formerly Invitae), Labcorp
Classification: Pathogenic for Smith-Lemli-Opitz syndrome. Last evaluated: 2023-06-24. Review status: criteria provided, single submitter. Criteria: Invitae Variant Classification Sherloc (09022015). Collection method: clinical testing. Allele origin: germline.
Comment: This variant is not present in population databases (gnomAD no frequency). This sequence change creates a premature translational stop signal (p.Trp37*) in the DHCR7 gene. It is expected to result in an absent or disrupted protein product. Loss-of-function variants in DHCR7 are known to be pathogenic (PMID: 9634533, 10677299). This variant has not been reported in the literature in individuals affected with DHCR7-related conditions. For these reasons, this variant has been classified as Pathogenic.

Literature cited by the submitters: PubMed 9634533; PubMed 10677299.

NM_001360.3(DHCR7):c.110G>A (p.Trp37Ter)

Gene: DHCR7 (7-dehydrocholesterol reductase; minus strand). Cytogenetic location: 11q13.4.
Variant type: single nucleotide variant.
Coding change: c.110G>A on transcript NM_001360.3 (MANE Select); coding-DNA position 110, G replaced by A.
Protein change: p.Trp37Ter; replaces tryptophan 37 with a stop codon.
Molecular consequence: nonsense.
Genome position (GRCh38, 1-based): chr11:71,444,204, C>T on the plus strand (G>A on the coding strand, the complement: DHCR7 is on the minus strand). VCF-style: chr11-71444204-C-T. GRCh37 (hg19) VCF-style: chr11-71155250-C-T.
Other names: c.110G>A, p.Trp37Ter (NM_001163817.2, NM_001425107.1, NM_001425108.1 and 8 more transcripts); c.-65G>A (NM_001425117.1); short protein forms W37*.
Identifiers: ClinVar variation 2776868 (VCV002776868.3), dbSNP rs2539237238, ClinGen allele CA381696736.